The following is an entry in ClinVar:

ClinVar aggregate classification (germline): Likely pathogenic (1 of 4 stars; one submission).

Conditions:
Familial adenomatous polyposis 1 (FAP1). Also called: FAMILIAL ADENOMATOUS POLYPOSIS 1, ATTENUATED; POLYPOSIS, ADENOMATOUS INTESTINAL. Identifiers: MedGen C2713442, MONDO:0021056, OMIM 175100. Disease mechanism: loss of function.

Submission:

Myriad Genetics, Inc.
Classification: Likely pathogenic for Familial adenomatous polyposis 1. Last evaluated: 2023-05-01. Review status: criteria provided, single submitter. Criteria: Myriad Autosomal Dominant, Autosomal Recessive and X-Linked Classification Criteria (2023). Collection method: clinical testing. Allele origin: unknown.
Comment: This variant is considered likely pathogenic. This variant occurs within a consensus splice junction and is predicted to result in abnormal mRNA splicing of either an out-of-frame exon or an in-frame exon necessary for protein stability and/or normal function.

NM_000038.6(APC):c.1408+1del

Gene: APC (APC regulator of Wnt signaling pathway; plus strand). Cytogenetic location: 5q22.2.
Variant type: Deletion.
Coding change: c.1408+1del on transcript NM_000038.6 (MANE Select); the canonical splice donor site of the intron after coding-DNA position 1408, one base deleted (G; older notation c.1408+1delG).
Molecular consequence: splice donor variant.
Genome position (GRCh38, 1-based): chr5:112,821,992, G deleted; the last of 2 consecutive G bases (chr5:112,821,991-112,821,992); deleting either gives the same sequence. VCF-style (leftmost placement, unchanged base first): chr5-112821990-AG-A. GRCh37 (hg19) VCF-style: chr5-112157687-AG-A.
Other names: c.559+1del (NM_001407470.1, NM_001354906.2); c.256+1del (NM_001407472.1, NM_001407471.1); c.1408+1del (NM_001407447.1, NM_001354895.2, NM_001407448.1 and 4 more transcripts); c.1105+1del (NM_001407456.1, NM_001407460.1, NM_001407457.1 and 5 more transcripts); c.1324+1del (NM_001407452.1, NM_001354899.2); c.1021+1del (NM_001407469.1, NM_001407467.1); c.1438+1del (NM_001407446.1, NM_001354897.2); c.1135+1del (NM_001354902.2); and 5 more.
Identifiers: ClinVar variation 2583922 (VCV002583922.1), dbSNP rs2533112109, ClinGen allele CA2582341309.